The following is an entry in ClinVar:

ClinVar aggregate classification (germline): Uncertain significance. Review status: criteria provided, multiple submitters, no conflicts (2 of 4 stars). 2 submissions from 2 submitters: Uncertain significance (2). Last evaluated 2023-09-05.

Allele frequency attached by ClinVar (database versions not stated): gnomAD exomes 0.00002; ExAC 0.00005; gnomAD 0.00006 and 0.00007; TOPMed 0.00006; ESP Exome Variant Server 0.00008; 1000 Genomes Project 30x 0.00031; 1000 Genomes Project 0.00040.
gnomAD v4.1: 55 of 1,614,052 alleles (0.0034%); highest among the groups gnomAD compares: Middle Eastern, 0.13%; no homozygotes.

Submissions (3):

Blueprint Genetics
Classification: Uncertain significance. Last evaluated: 2023-09-05. Review status: criteria provided, single submitter. Criteria: ACMG Guidelines, 2015. Collection method: clinical testing. Allele origin: germline.

Labcorp Genetics (formerly Invitae), Labcorp
Classification: Uncertain significance. Last evaluated: 2021-10-01. Review status: criteria provided, single submitter. Criteria: Invitae Variant Classification Sherloc (09022015). Collection method: clinical testing. Allele origin: germline.
Comment: This sequence change replaces arginine with tryptophan at codon 379 of the TBCE protein (p.Arg379Trp). The arginine residue is highly conserved and there is a moderate physicochemical difference between arginine and tryptophan. This variant is present in population databases (rs187162634, ExAC 0.03%). This variant has not been reported in the literature in individuals affected with TBCE-related conditions. Algorithms developed to predict the effect of missense changes on protein structure and function are either unavailable or do not agree on the potential impact of this missense change (SIFT: "Deleterious"; PolyPhen-2: "Benign"; Align-GVGD: "Class C65"). In summary, the available evidence is currently insufficient to determine the role of this variant in disease. Therefore, it has been classified as a Variant of Uncertain Significance.

Dr. Peter K. Rogan Lab, Western University
No classification provided (evidence only). Condition: Hepatocellular carcinoma. Review status: no classification provided. Collection method: in vitro. Allele origin: not applicable. Functional consequence: skipped exon, retained intron. Not counted in ClinVar's aggregate classification.

NM_003193.5(TBCE):c.1135C>T (p.Arg379Trp)

Gene: TBCE (tubulin folding cofactor E; plus strand). Cytogenetic location: 1q42.3.
Variant type: single nucleotide variant.
Coding change: c.1135C>T on transcript NM_003193.5 (MANE Select); coding-DNA position 1135, C replaced by T.
Protein change: p.Arg379Trp; replaces arginine 379 with tryptophan.
Molecular consequence: missense variant.
Genome position (GRCh38, 1-based): chr1:235,438,787, C>T. VCF-style: chr1-235438787-C-T. GRCh37 (hg19) VCF-style: chr1-235602102-C-T.
Other names: c.1135C>T, p.Arg379Trp (NM_001079515.3); c.1288C>T, p.Arg430Trp (NM_001287801.2); c.796C>T, p.Arg266Trp (NM_001287802.2); short protein forms R430W, R379W, R266W.
Identifiers: ClinVar variation 1354752 (VCV001354752.5), dbSNP rs187162634, ClinGen allele CA1464358.